The following is an entry in ClinVar:

ClinVar aggregate classification (germline): Pathogenic (1 of 4 stars; one submission).

Conditions:
Cerebral cavernous malformation 2. Also called: Familial Cerebral Cavernous Malformation 2. Identifiers: Orphanet 221061, MedGen C1864041, MONDO:0011304, OMIM 603284.

Submission:

Labcorp Genetics (formerly Invitae), Labcorp
Classification: Pathogenic for Cerebral cavernous malformation 2. Last evaluated: 2025-12-17. Review status: criteria provided, single submitter. Criteria: Invitae Variant Classification Sherloc (09022015). Collection method: clinical testing. Allele origin: germline.
Comment: This sequence change creates a premature translational stop signal (p.Arg28Lysfs*5) in the CCM2 gene. It is expected to result in an absent or disrupted protein product. Loss-of-function variants in CCM2 are known to be pathogenic (PMID: 18300272, 24689081). This variant is not present in population databases (gnomAD no frequency). This variant has not been reported in the literature in individuals affected with CCM2-related conditions. ClinVar contains an entry for this variant (Variation ID: 1458144). For these reasons, this variant has been classified as Pathogenic.

Literature cited by the submitters: PubMed 18300272; PubMed 24689081.

NM_031443.4(CCM2):c.83_87del (p.Arg28fs)

Gene: CCM2 (CCM2 scaffold protein; plus strand). Cytogenetic location: 7p13.
Variant type: Deletion.
Coding change: c.83_87del on transcript NM_031443.4 (MANE Select); coding-DNA positions 83 to 87, 5 bases deleted (GAGAT; older notation c.83_87delGAGAT).
Protein change: p.Arg28fs; shifts the reading frame from arginine 28.
Molecular consequence: frameshift variant. On other transcripts: non-coding transcript variant (1), intron variant (2).
Genome position (GRCh38, 1-based): chr7:45,038,305-45,038,309, GAGAT deleted. VCF-style (leftmost placement, unchanged base first): chr7-45038304-AGAGAT-A. GRCh37 (hg19) VCF-style: chr7-45077903-AGAGAT-A.
Other names: c.146_150del, p.Arg49fs (NM_001029835.2); c.83_87del, p.Arg28fs (NM_001167935.2, NM_001363458.2); c.31-25613_31-25609del (NM_001363459.2, NM_001167934.2); short protein forms R28fs, R49fs.
Identifiers: ClinVar variation 1458144 (VCV001458144.6), dbSNP rs2128729105, ClinGen allele CA2573142184.